The following is an entry in ClinVar:

NM_001110556.2(FLNA):c.3203G>C (p.Ser1068Thr)

Gene: FLNA (filamin A; minus strand). Cytogenetic location: Xq28.
Variant type: single nucleotide variant.
Coding change: c.3203G>C on transcript NM_001110556.2 (MANE Select); coding-DNA position 3203, G replaced by C.
Protein change: p.Ser1068Thr; replaces serine 1068 with threonine.
Molecular consequence: missense variant.
Genome position (GRCh38, 1-based): chrX:154,361,312, C>G on the plus strand (G>C on the coding strand, the complement: FLNA is on the minus strand). VCF-style: chrX-154361312-C-G. GRCh37 (hg19) VCF-style: chrX-153589680-C-G.
Other names: c.3203G>C, p.Ser1068Thr (NM_001456.4); short protein forms S1068T.
Identifiers: ClinVar variation 2951159 (VCV002951159.3), dbSNP rs2522744735, ClinGen allele CA415229723.

ClinVar aggregate classification (germline): Uncertain significance (1 of 4 stars; one submission).

Conditions:
Heterotopia, periventricular, X-linked dominant (PVNH1). Also called: PERIVENTRICULAR NODULAR HETEROTOPIA 1; X-linked periventricular heterotopia; PERIVENTRICULAR NODULAR HETEROTOPIA 4; HETEROTOPIA, PERIVENTRICULAR, 1. Identifiers: Orphanet 2149, Orphanet 82004, MedGen C1848213, MONDO:0010233, OMIM 300049.
Melnick-Needles syndrome (MNS). Also called: Melnick-Needles Syndrome (FLNA-MNS); MELNICK-NEEDLES OSTEODYSPLASTY; OSTEODYSPLASTY OF MELNICK AND NEEDLES. Identifiers: Orphanet 2484, MedGen C0025237, MONDO:0010650, OMIM 309350.
Frontometaphyseal dysplasia (FMD1). Identifiers: Orphanet 1826, MedGen C0265293, MONDO:0015942.
Oto-palato-digital syndrome, type II (OPD2). Also called: Otopalatodigital Syndrome Type 2 (FLNA-OPD2); FACIOPALATOOSSEOUS SYNDROME; OPD II SYNDROME; Otopalatodigital Syndrome, Type II. Identifiers: Orphanet 669, Orphanet 90652, MedGen C1844696, MONDO:0010571, OMIM 304120.

Submission:

Labcorp Genetics (formerly Invitae), Labcorp
Classification: Uncertain significance for Oto-palato-digital syndrome, type II; Heterotopia, periventricular, X-linked dominant; Frontometaphyseal dysplasia; Melnick-Needles syndrome. Last evaluated: 2023-11-24. Review status: criteria provided, single submitter. Criteria: Invitae Variant Classification Sherloc (09022015). Collection method: clinical testing. Allele origin: germline.
Comment: This sequence change replaces serine, which is neutral and polar, with threonine, which is neutral and polar, at codon 1068 of the FLNA protein (p.Ser1068Thr). This variant is not present in population databases (gnomAD no frequency). This variant has not been reported in the literature in individuals affected with FLNA-related conditions. Advanced modeling of protein sequence and biophysical properties (such as structural, functional, and spatial information, amino acid conservation, physicochemical variation, residue mobility, and thermodynamic stability) performed at Invitae indicates that this missense variant is not expected to disrupt FLNA protein function with a negative predictive value of 95%. In summary, the available evidence is currently insufficient to determine the role of this variant in disease. Therefore, it has been classified as a Variant of Uncertain Significance.